The following is an entry in ClinVar:

NM_000632.4(ITGAM):c.1532G>C (p.Gly511Ala)

Gene: ITGAM (integrin subunit alpha M; plus strand). Cytogenetic location: 16p11.2.
Variant type: single nucleotide variant.
Coding change: c.1532G>C on transcript NM_000632.4 (MANE Select); coding-DNA position 1532, G replaced by C.
Protein change: p.Gly511Ala; replaces glycine 511 with alanine.
Molecular consequence: missense variant.
Genome position (GRCh38, 1-based): chr16:31,297,779, G>C. VCF-style: chr16-31297779-G-C. GRCh37 (hg19) VCF-style: chr16-31309100-G-C.
Other names: c.1535G>C, p.Gly512Ala (NM_001145808.2); short protein forms G511A, G512A.
Identifiers: ClinVar variation 2955746 (VCV002955746.3), dbSNP rs765696353, ClinGen allele CA8025598.

ClinVar aggregate classification (germline): Uncertain significance (1 of 4 stars; one submission).

Allele frequency attached by ClinVar (database versions not stated): ExAC 0.00002; gnomAD exomes 0.00001; TOPMed 0.00001.
gnomAD v4.1: 7 of 1,604,252 alleles (0.00044%); highest among the groups gnomAD compares: Admixed American, 0.011%; no homozygotes.

Submission:

Labcorp Genetics (formerly Invitae), Labcorp
Classification: Uncertain significance. Last evaluated: 2026-01-26. Review status: criteria provided, single submitter. Criteria: Invitae Variant Classification Sherloc (09022015). Collection method: clinical testing. Allele origin: germline.
Comment: This sequence change replaces glycine, which is neutral and non-polar, with alanine, which is neutral and non-polar, at codon 511 of the ITGAM protein (p.Gly511Ala). This variant is present in population databases (rs765696353, gnomAD 0.01%). This variant has not been reported in the literature in individuals affected with ITGAM-related conditions. ClinVar contains an entry for this variant (Variation ID: 2955746). An algorithm developed to predict the effect of missense changes on protein structure and function (PolyPhen-2) suggests that this variant is likely to be disruptive. In summary, the available evidence is currently insufficient to determine the role of this variant in disease. Therefore, it has been classified as a Variant of Uncertain Significance.